The following is an entry in ClinVar:

ClinVar aggregate classification (germline): Uncertain significance (1 of 4 stars; one submission).

gnomAD v4.1: 1 of 1,614,090 alleles (0.000062%); highest among the groups gnomAD compares: East Asian, 0.0022%; no homozygotes.

Submission:

Mayo Clinic Laboratories, Mayo Clinic
Classification: Uncertain significance. Last evaluated: 2025-04-04. Review status: criteria provided, single submitter. Criteria: ACMG Guidelines, 2015. Collection method: clinical testing. Allele origin: germline. Observed: 1 variant allele.
Comment: PM2_supporting

NM_024580.6(EFL1):c.1925A>G (p.Gln642Arg)

Gene: EFL1 (elongation factor like GTPase 1; minus strand). Cytogenetic location: 15q25.2.
Variant type: single nucleotide variant.
Coding change: c.1925A>G on transcript NM_024580.6 (MANE Select); coding-DNA position 1925, A replaced by G.
Protein change: p.Gln642Arg; replaces glutamine 642 with arginine.
Molecular consequence: missense variant. On other transcripts: non-coding transcript variant (1).
Genome position (GRCh38, 1-based): chr15:82,157,818, T>C on the plus strand (A>G on the coding strand, the complement: EFL1 is on the minus strand). VCF-style: chr15-82157818-T-C. GRCh37 (hg19) VCF-style: chr15-82450159-T-C.
Other names: p.Gln642Arg; c.1772A>G, p.Gln591Arg (NM_001040610.3); c.1136A>G, p.Gln379Arg (NM_001322844.2); c.1925A>G, p.Gln642Arg (NM_001322845.2); short protein forms Q591R, Q379R, Q642R.
Identifiers: ClinVar variation 4541968 (VCV004541968.1).